The following is an entry in ClinVar:

NM_002900.3(RBP3):c.296C>T (p.Pro99Leu)

Gene: RBP3 (retinol binding protein 3; plus strand). Cytogenetic location: 10q11.22.
Variant type: single nucleotide variant.
Coding change: c.296C>T on transcript NM_002900.3 (MANE Select); coding-DNA position 296, C replaced by T.
Protein change: p.Pro99Leu; replaces proline 99 with leucine.
Molecular consequence: missense variant.
Genome position (GRCh38, 1-based): chr10:47,348,780, C>T. VCF-style: chr10-47348780-C-T. GRCh37 (hg19) VCF-style: chr10-48390582-G-A.
Other names: short protein forms P99L.
Identifiers: ClinVar variation 1054993 (VCV001054993.9), dbSNP rs1170455333, ClinGen allele CA376664791.

ClinVar aggregate classification (germline): Uncertain significance (1 of 4 stars; one submission).

Allele frequency attached by ClinVar (database versions not stated): gnomAD exomes below 0.00001.

Submission:

Labcorp Genetics (formerly Invitae), Labcorp
Classification: Uncertain significance. Last evaluated: 2020-02-18. Review status: criteria provided, single submitter. Criteria: Invitae Variant Classification Sherloc (09022015). Collection method: clinical testing. Allele origin: germline.
Comment: This sequence change replaces proline with leucine at codon 99 of the RBP3 protein (p.Pro99Leu). The proline residue is highly conserved and there is a moderate physicochemical difference between proline and leucine. In summary, the available evidence is currently insufficient to determine the role of this variant in disease. Therefore, it has been classified as a Variant of Uncertain Significance. Algorithms developed to predict the effect of missense changes on protein structure and function output the following: SIFT: "Deleterious"; PolyPhen-2: "Probably Damaging"; Align-GVGD: "Class C65". The leucine amino acid residue is found in multiple mammalian species, suggesting that this missense change does not adversely affect protein function. These predictions have not been confirmed by published functional studies and their clinical significance is uncertain. This variant has not been reported in the literature in individuals with RBP3-related conditions. This variant is not present in population databases (ExAC no frequency).